The following is an entry in ClinVar:

NM_022089.4(ATP13A2):c.816C>G (p.Cys272Trp)

Gene: ATP13A2 (ATPase cation transporting 13A2; minus strand). Cytogenetic location: 1p36.13.
Variant type: single nucleotide variant.
Coding change: c.816C>G on transcript NM_022089.4 (MANE Select); coding-DNA position 816, C replaced by G.
Protein change: p.Cys272Trp; replaces cysteine 272 with tryptophan.
Molecular consequence: missense variant.
Genome position (GRCh38, 1-based): chr1:17,000,424, G>C on the plus strand (C>G on the coding strand, the complement: ATP13A2 is on the minus strand). VCF-style: chr1-17000424-G-C. GRCh37 (hg19) VCF-style: chr1-17326919-G-C.
Other names: c.801C>G, p.Cys267Trp (NM_001141973.3, NM_001141974.3); short protein forms C267W, C272W.
Identifiers: ClinVar variation 843251 (VCV000843251.7), dbSNP rs755969305, ClinGen allele CA637487.

ClinVar aggregate classification (germline): Uncertain significance (1 of 4 stars; one submission).

Conditions:
Kufor-Rakeb syndrome (KRS). Also called: PARKINSON DISEASE 9, AUTOSOMAL RECESSIVE, JUVENILE-ONSET. Identifiers: Orphanet 306674, Orphanet 314632, MedGen C1847640, MONDO:0011706, OMIM 606693.
Autosomal recessive spastic paraplegia type 78. Identifiers: Orphanet 513436, MedGen C5567893, MONDO:0014975, OMIM 617225.

Allele frequency attached by ClinVar (database versions not stated): TOPMed below 0.00001; ExAC 0.00001; gnomAD 0.00001; gnomAD exomes 0.00001.
gnomAD v4.1: 4 of 1,613,858 alleles (0.00025%); highest among the groups gnomAD compares: Admixed American, 0.0067%; no homozygotes.

Submission:

Labcorp Genetics (formerly Invitae), Labcorp
Classification: Uncertain significance for Kufor-Rakeb syndrome; Autosomal recessive spastic paraplegia type 78. Last evaluated: 2019-12-13. Review status: criteria provided, single submitter. Criteria: Invitae Variant Classification Sherloc (09022015). Collection method: clinical testing. Allele origin: germline.
Comment: This sequence change replaces cysteine with tryptophan at codon 272 of the ATP13A2 protein (p.Cys272Trp). The cysteine residue is weakly conserved and there is a large physicochemical difference between cysteine and tryptophan. Algorithms developed to predict the effect of missense changes on protein structure and function are either unavailable or do not agree on the potential impact of this missense change (SIFT: "Tolerated"; PolyPhen-2: "Possibly Damaging"; Align-GVGD: "Class C0"). This variant has not been reported in the literature in individuals with ATP13A2-related conditions. This variant is present in population databases (rs755969305, ExAC 0.01%). In summary, the available evidence is currently insufficient to determine the role of this variant in disease. Therefore, it has been classified as a Variant of Uncertain Significance.